The following is an entry in ClinVar:

ClinVar aggregate classification (germline): Uncertain significance (1 of 4 stars; one submission).

Allele frequency attached by ClinVar (database versions not stated): gnomAD exomes below 0.00001; TOPMed below 0.00001; ExAC 0.00001; gnomAD 0.00001.
gnomAD v4.1: 6 of 1,613,866 alleles (0.00037%); highest among the groups gnomAD compares: South Asian, 0.0011%; no homozygotes.

Submission:

GeneDx
Classification: Uncertain significance. Last evaluated: 2019-03-19. Review status: criteria provided, single submitter. Criteria: GeneDx Variant Classification Process June 2021. Collection method: clinical testing. Allele origin: germline. Affected: yes.
Comment: In silico analysis, which includes protein predictors and evolutionary conservation, supports a deleterious effect; Has not been previously reported as pathogenic or benign to our knowledge; Observed in 1/30782 (0.0032%) alleles from individuals of South Asian background, and in 1/246240 total alleles, in large population cohorts (Lek et al., 2016)

NM_001733.7(C1R):c.1631C>T (p.Pro544Leu)

Gene: C1R (complement C1r; minus strand). Cytogenetic location: 12p13.31.
Variant type: single nucleotide variant.
Coding change: c.1631C>T on transcript NM_001733.7 (MANE Select); coding-DNA position 1631, C replaced by T.
Protein change: p.Pro544Leu; replaces proline 544 with leucine.
Molecular consequence: missense variant.
Genome position (GRCh38, 1-based): chr12:7,081,019, G>A on the plus strand (C>T on the coding strand, the complement: C1R is on the minus strand). VCF-style: chr12-7081019-G-A. GRCh37 (hg19) VCF-style: chr12-7188323-G-A.
Other names: c.1673C>T, p.Pro558Leu (NM_001354346.2); short protein forms P544L, P558L.
Identifiers: ClinVar variation 1308246 (VCV001308246.2), dbSNP rs780252671, ClinGen allele CA6423978.
Genomic context (GRCh38, chr12:7,081,019, plus strand): 5'-TCCAGCTCCAGCAGGGCGATGTCCCCCTCAAAATTGTAGGACTCATCCTGACGGTAGTCC[G>A]GGTGGACGCTGACCCTGCGGATGGGGTGATTTCCTAGCTTCATGAGCTCTTCCACATTTG-3'
Protein context (NP_001724.4, residues 534-554): NHPIRRVSVH[Pro544Leu]DYRQDESYNF